The following is an entry in ClinVar:

ClinVar aggregate classification (germline): Conflicting classifications of pathogenicity. Review status: criteria provided, conflicting classifications (1 of 4 stars). 3 submissions from 3 submitters: Uncertain significance (1); Likely benign (2). Last evaluated 2026-02-01.

Conditions:
Specific granule deficiency. Identifiers: Orphanet 169142, MedGen C0398593, MONDO:0009506.
Inborn genetic diseases. Identifiers: MedGen C0950123, MeSH D030342.

Allele frequency attached by ClinVar (database versions not stated): ExAC 0.00001; gnomAD 0.00002; gnomAD exomes 0.00002; TOPMed 0.00002.

Submissions (3):

Labcorp Genetics (formerly Invitae), Labcorp
Classification: Uncertain significance for Specific granule deficiency. Last evaluated: 2026-02-01. Review status: criteria provided, single submitter. Criteria: Invitae Variant Classification Sherloc (09022015). Collection method: clinical testing. Allele origin: germline.
Comment: This sequence change replaces glycine, which is neutral and non-polar, with serine, which is neutral and polar, at codon 163 of the CEBPE protein (p.Gly163Ser). This variant is present in population databases (rs762842144, gnomAD 0.007%). This variant has not been reported in the literature in individuals affected with CEBPE-related conditions. ClinVar contains an entry for this variant (Variation ID: 530666). An algorithm developed to predict the effect of missense changes on protein structure and function outputs the following: PolyPhen-2: "Benign". The serine amino acid residue is found in multiple mammalian species, which suggests that this missense change does not adversely affect protein function. In summary, the available evidence is currently insufficient to determine the role of this variant in disease. Therefore, it has been classified as a Variant of Uncertain Significance.

Ambry Genetics
Classification: Likely benign for Inborn genetic diseases. Last evaluated: 2024-10-17. Review status: criteria provided, single submitter. Criteria: Ambry Variant Classification Scheme 2023. Collection method: clinical testing. Allele origin: germline.

Blueprint Genetics
Classification: Likely benign. Last evaluated: 2024-09-06. Review status: criteria provided, single submitter. Criteria: ACMG Guidelines, 2015. Collection method: clinical testing. Allele origin: germline.

NM_001805.4(CEBPE):c.487G>A (p.Gly163Ser)

Gene: CEBPE (CCAAT enhancer binding protein epsilon; minus strand). Cytogenetic location: 14q11.2.
Variant type: single nucleotide variant.
Coding change: c.487G>A on transcript NM_001805.4 (MANE Select); coding-DNA position 487, G replaced by A.
Protein change: p.Gly163Ser; replaces glycine 163 with serine.
Molecular consequence: missense variant.
Genome position (GRCh38, 1-based): chr14:23,118,605, C>T on the plus strand (G>A on the coding strand, the complement: CEBPE is on the minus strand). VCF-style: chr14-23118605-C-T. GRCh37 (hg19) VCF-style: chr14-23587814-C-T.
Other names: c.487G>A (NM_001805.2); short protein forms G163S.
Identifiers: ClinVar variation 530666 (VCV000530666.11), dbSNP rs762842144, ClinGen allele CA7111198.
Genomic context (GRCh38, chr14:23,118,605, plus strand): 5'-CCCCGGGCAGGAGGGAGGAGGGCTGGCCTGCTCTTACCTTGAGAACGCGCAGAGGCTGGC[C>T]GGGTGCTGCCAGAGTTGGGGGCAGGTGCATGGCTGTCTGCCCACAGTGTGCCACTTGGTA-3'
Protein context (NP_001796.2, residues 153-173): MHLPPTLAAP[Gly163Ser]QPLRVLKAPL